The following is an entry in ClinVar:

NM_000059.4(BRCA2):c.6445_6446delinsTTAA (p.Ile2149fs)

Gene: BRCA2 (BRCA2 DNA repair associated; plus strand). Cytogenetic location: 13q13.1.
Variant type: Indel.
Coding change: c.6445_6446delinsTTAA on transcript NM_000059.4 (MANE Select); coding-DNA positions 6445 to 6446, AT replaced by TTAA.
Protein change: p.Ile2149fs; shifts the reading frame from isoleucine 2149.
Molecular consequence: frameshift variant. On other transcripts: non-coding transcript variant (1), intron variant (2).
Genome position (GRCh38, 1-based): chr13:32,340,800-32,340,801, AT replaced by TTAA. VCF-style: chr13-32340800-AT-TTAA. GRCh37 (hg19) VCF-style: chr13-32914937-AT-TTAA.
Other names: c.6445_6446delinsTTAA, p.Ile2149fs (NM_001406719.1, NM_001406720.1, NM_001432077.1); c.1910-3758_1910-3757delinsTTAA (NM_001406721.1); c.425-3758_425-3757delinsTTAA (NM_001406722.1); short protein forms I2149fs.
Identifiers: ClinVar variation 3481947 (VCV003481947.1).
Genomic context (GRCh38, chr13:32,340,800, plus strand): 5'-GAATTTAAATTATCAAATAACTTAAATGTTGAAGGTGGTTCTTCAGAAAATAATCACTCT[AT>TTAA]TAAAGTTTCTCCATATCTCTCTCAATTTCAACAAGACAAACAACAGTTGGTATTAGGAAC-3'

ClinVar aggregate classification (germline): Pathogenic (1 of 4 stars; one submission).

Conditions:
Hereditary cancer-predisposing syndrome. Also called: Tumor predisposition; Neoplastic Syndromes, Hereditary; Hereditary Cancer Syndrome; Hereditary neoplastic syndrome. Identifiers: Orphanet 140162, MedGen C0027672, MeSH D009386, MONDO:0015356.

Submission:

Ambry Genetics
Classification: Pathogenic for Hereditary cancer-predisposing syndrome. Last evaluated: 2024-09-10. Review status: criteria provided, single submitter. Criteria: Ambry Variant Classification Scheme 2023. Collection method: clinical testing. Allele origin: germline.
Comment: The c.6445_6446delATinsTTAA pathogenic mutation, located in coding exon 10 of the BRCA2 gene, results from the deletion of two nucleotides and insertion of 4 nucleotides causing a translational frameshift with a predicted alternate stop codon (p.I2149Lfs*20). This variant is considered to be rare based on population cohorts in the Genome Aggregation Database (gnomAD). This alteration is expected to result in loss of function by premature protein truncation or nonsense-mediated mRNA decay. As such, this alteration is interpreted as a disease-causing mutation.